The following is an entry in ClinVar:

NM_000384.3(APOB):c.3283G>A (p.Asp1095Asn)

Gene: APOB (apolipoprotein B; minus strand). Cytogenetic location: 2p24.1.
Variant type: single nucleotide variant.
Coding change: c.3283G>A on transcript NM_000384.3 (MANE Select); coding-DNA position 3283, G replaced by A.
Protein change: p.Asp1095Asn; replaces aspartic acid 1095 with asparagine.
Molecular consequence: missense variant.
Genome position (GRCh38, 1-based): chr2:21,016,488, C>T on the plus strand (G>A on the coding strand, the complement: APOB is on the minus strand). VCF-style: chr2-21016488-C-T. GRCh37 (hg19) VCF-style: chr2-21239360-C-T.
Other names: short protein forms D1095N.
Identifiers: ClinVar variation 544067 (VCV000544067.49), dbSNP rs1377332778, ClinGen allele CA346009432.

ClinVar aggregate classification (germline): Conflicting classifications of pathogenicity. Review status: criteria provided, conflicting classifications (1 of 4 stars). 3 submissions from 3 submitters: Uncertain significance (2); Likely benign (1). Last evaluated 2026-03-29.

Conditions:
Familial hypobetalipoproteinemia 1. Also called: Hypobetalipoproteinemia, normotriglyceridemic; Acanthocytosis with hypobetalipoproteinemia; APOB-Related Familial Hypobetalipoproteinemia. Identifiers: MedGen C4551990, MONDO:0014252, OMIM 615558.
Hypercholesterolemia, autosomal dominant, type B (FHCL2). Also called: APOB-Related Familial Hypercholesterolemia, Autosomal Dominant; APOLIPOPROTEIN B-100, FAMILIAL DEFECTIVE; APOLIPOPROTEIN B-100, FAMILIAL LIGAND-DEFECTIVE; Familial Hypercholesterolemia Type B; Hyperlipoproteinemia Type IIb; Familial hypercholesterolemia 2. Identifiers: MedGen C1704417, MONDO:0007751, OMIM 144010.
Cardiovascular phenotype. Identifiers: MedGen CN230736.

Allele frequency attached by ClinVar (database versions not stated): gnomAD exomes 0.00001; gnomAD 0.00001; TOPMed 0.00001.
gnomAD v4.1: 17 of 1,611,960 alleles (0.0011%); highest among the groups gnomAD compares: Middle Eastern, 0.016%; no homozygotes.

Submissions (3):

Ambry Genetics
Classification: Uncertain significance for Cardiovascular phenotype. Last evaluated: 2026-03-29. Review status: criteria provided, single submitter. Criteria: Ambry Variant Classification Scheme 2023. Collection method: clinical testing. Allele origin: germline.
Comment: The p.D1095N variant (also known as c.3283G>A), located in coding exon 21 of the APOB gene, results from a G to A substitution at nucleotide position 3283. The aspartic acid at codon 1095 is replaced by asparagine, an amino acid with highly similar properties. This amino acid position is conserved. In addition, this alteration is predicted to be tolerated by in silico analysis. Based on the available evidence, the clinical significance of this variant remains unclear.

GeneDx
Classification: Uncertain significance. Last evaluated: 2025-12-21. Review status: criteria provided, single submitter. Criteria: GeneDx Variant Classification Process June 2021. Collection method: clinical testing. Allele origin: germline.
Comment: Not observed at significant frequency in large population cohorts (gnomAD); In silico analysis supports that this missense variant has a deleterious effect on protein structure/function; Has not been previously published as pathogenic or benign to our knowledge

Labcorp Genetics (formerly Invitae), Labcorp
Classification: Likely benign for Familial hypobetalipoproteinemia 1; Hypercholesterolemia, autosomal dominant, type B. Last evaluated: 2025-07-06. Review status: criteria provided, single submitter. Criteria: Invitae Variant Classification Sherloc (09022015). Collection method: clinical testing. Allele origin: germline.